The following is an entry in ClinVar:

NM_052947.4(ALPK2):c.209A>G (p.His70Arg)

Gene: ALPK2 (alpha kinase 2; minus strand). Cytogenetic location: 18q21.32.
Variant type: single nucleotide variant.
Coding change: c.209A>G on transcript NM_052947.4 (MANE Select); coding-DNA position 209, A replaced by G.
Protein change: p.His70Arg; replaces histidine 70 with arginine.
Molecular consequence: missense variant.
Genome position (GRCh38, 1-based): chr18:58,607,340, T>C on the plus strand (A>G on the coding strand, the complement: ALPK2 is on the minus strand). VCF-style: chr18-58607340-T-C. GRCh37 (hg19) VCF-style: chr18-56274572-T-C.
Other names: short protein forms H70R.
Identifiers: ClinVar variation 2625992 (VCV002625992.2), dbSNP rs2518912902, ClinGen allele CA402555759.

ClinVar aggregate classification (germline): Uncertain significance (1 of 4 stars; one submission).

Allele frequency attached by ClinVar (database versions not stated): gnomAD exomes below 0.00001.
gnomAD v4.1: 7 of 1,612,722 alleles (0.00043%); highest among the groups gnomAD compares: Non-Finnish European, 0.00051%; no homozygotes.

Submission:

Ambry Genetics
Classification: Uncertain significance. Last evaluated: 2023-07-06. Review status: criteria provided, single submitter. Criteria: Ambry Variant Classification Scheme 2023. Collection method: clinical testing. Allele origin: germline.
Comment: The p.H70R variant (also known as c.209A>G), located in coding exon 2 of the ALPK2 gene, results from an A to G substitution at nucleotide position 209. The histidine at codon 70 is replaced by arginine, an amino acid with highly similar properties. This amino acid position is conserved. In addition, the in silico prediction for this alteration is inconclusive. Since supporting evidence is limited at this time, the clinical significance of this alteration remains unclear.